The following is an entry in ClinVar:

ClinVar aggregate classification (germline): Uncertain significance. Review status: criteria provided, multiple submitters, no conflicts (2 of 4 stars). 2 submissions from 2 submitters: Uncertain significance (2). Last evaluated 2025-12-15.

Conditions:
Inborn genetic diseases. Identifiers: MedGen C0950123, MeSH D030342.

Allele frequency attached by ClinVar (database versions not stated): gnomAD 0.00001; gnomAD exomes 0.00001; TOPMed 0.00002; ExAC 0.00011; 1000 Genomes Project 30x 0.00016; 1000 Genomes Project 0.00020.
gnomAD v4.1: 19 of 1,594,936 alleles (0.0012%); highest among the groups gnomAD compares: Admixed American, 0.029%; no homozygotes.

Submissions (2):

Labcorp Genetics (formerly Invitae), Labcorp
Classification: Uncertain significance. Last evaluated: 2025-12-15. Review status: criteria provided, single submitter. Criteria: Invitae Variant Classification Sherloc (09022015). Collection method: clinical testing. Allele origin: germline.
Comment: This sequence change replaces serine, which is neutral and polar, with phenylalanine, which is neutral and non-polar, at codon 22 of the PTHLH protein (p.Ser22Phe). This variant is present in population databases (rs144201366, gnomAD 0.04%), and has an allele count higher than expected for a pathogenic variant. This variant has not been reported in the literature in individuals affected with PTHLH-related conditions. ClinVar contains an entry for this variant (Variation ID: 2182121). An algorithm developed to predict the effect of missense changes on protein structure and function (PolyPhen-2) suggests that this variant is likely to be tolerated. In summary, the available evidence is currently insufficient to determine the role of this variant in disease. Therefore, it has been classified as a Variant of Uncertain Significance.

Ambry Genetics
Classification: Uncertain significance for Inborn genetic diseases. Last evaluated: 2024-09-10. Review status: criteria provided, single submitter. Criteria: Ambry Variant Classification Scheme 2023. Collection method: clinical testing. Allele origin: germline.

NM_198965.2(PTHLH):c.65C>T (p.Ser22Phe)

Gene: PTHLH (parathyroid hormone like hormone; minus strand). Cytogenetic location: 12p11.22.
Variant type: single nucleotide variant.
Coding change: c.65C>T on transcript NM_198965.2 (MANE Select); coding-DNA position 65, C replaced by T.
Protein change: p.Ser22Phe; replaces serine 22 with phenylalanine.
Molecular consequence: missense variant.
Genome position (GRCh38, 1-based): chr12:27,969,430, G>A on the plus strand (C>T on the coding strand, the complement: PTHLH is on the minus strand). VCF-style: chr12-27969430-G-A. GRCh37 (hg19) VCF-style: chr12-28122363-G-A.
Other names: c.65C>T, p.Ser22Phe (NM_002820.3, NM_198964.2, NM_198966.2); c.65C>T (NM_198965.1); short protein forms S22F.
Identifiers: ClinVar variation 2182121 (VCV002182121.5), dbSNP rs144201366, ClinGen allele CA6494969.